The following is an entry in ClinVar:

NM_001164665.2(KIAA1549):c.4981G>A (p.Gly1661Arg)

Gene: KIAA1549 (KIAA1549; minus strand). Cytogenetic location: 7q34.
Variant type: single nucleotide variant.
Coding change: c.4981G>A on transcript NM_001164665.2 (MANE Select); coding-DNA position 4981, G replaced by A.
Protein change: p.Gly1661Arg; replaces glycine 1661 with arginine.
Molecular consequence: missense variant.
Genome position (GRCh38, 1-based): chr7:138,861,405, C>T on the plus strand (G>A on the coding strand, the complement: KIAA1549 is on the minus strand). VCF-style: chr7-138861405-C-T. GRCh37 (hg19) VCF-style: chr7-138546151-C-T.
Other names: c.4981G>A (NM_001164665.1); c.4981G>A, p.Gly1661Arg (NM_020910.3); short protein forms G1661R.
Identifiers: ClinVar variation 2056678 (VCV002056678.5), dbSNP rs778451002, ClinGen allele CA4505681.

ClinVar aggregate classification (germline): Uncertain significance. Review status: criteria provided, multiple submitters, no conflicts (2 of 4 stars). 2 submissions from 2 submitters: Uncertain significance (2). Last evaluated 2025-07-31.

Conditions:
Inborn genetic diseases. Identifiers: MedGen C0950123, MeSH D030342.

Allele frequency attached by ClinVar (database versions not stated): TOPMed below 0.00001; gnomAD exomes 0.00001; ExAC 0.00003.
gnomAD v4.1: 11 of 1,612,264 alleles (0.00068%); highest among the groups gnomAD compares: Admixed American, 0.013%; no homozygotes.

Submissions (2):

Ambry Genetics
Classification: Uncertain significance for Inborn genetic diseases. Last evaluated: 2025-07-31. Review status: criteria provided, single submitter. Criteria: Ambry Variant Classification Scheme 2023. Collection method: clinical testing. Allele origin: germline.

Labcorp Genetics (formerly Invitae), Labcorp
Classification: Uncertain significance. Last evaluated: 2022-06-29. Review status: criteria provided, single submitter. Criteria: Invitae Variant Classification Sherloc (09022015). Collection method: clinical testing. Allele origin: germline.
Comment: In summary, the available evidence is currently insufficient to determine the role of this variant in disease. Therefore, it has been classified as a Variant of Uncertain Significance. Algorithms developed to predict the effect of missense changes on protein structure and function are either unavailable or do not agree on the potential impact of this missense change (SIFT: "Deleterious"; PolyPhen-2: "Probably Damaging"; Align-GVGD: "Class C15"). This variant has not been reported in the literature in individuals affected with KIAA1549-related conditions. This variant is present in population databases (rs778451002, gnomAD 0.03%). This sequence change replaces glycine, which is neutral and non-polar, with arginine, which is basic and polar, at codon 1661 of the KIAA1549 protein (p.Gly1661Arg).